The following is an entry in ClinVar:

ClinVar aggregate classification (germline): Uncertain significance. Review status: criteria provided, single submitter (1 of 4 stars). 2 submissions from 2 submitters: Uncertain significance (1). 1 of the submissions does not count toward it. Last evaluated 2018-01-12.

Conditions:
Immunodeficiency 104. Also called: Severe combined immunodeficiency, autosomal recessive, T cell-negative, B cell-positive, NK cell-positive; Severe Combined Immune Deficiency, Autosomal Recessive, TCell -Negative, B Cell-Positive, NK Cell-Positive, IL7R-Related; SCID, AUTOSOMAL RECESSIVE, T CELL-NEGATIVE, B CELL-POSITIVE, NK CELL-POSITIVE; IMMUNODEFICIENCY 104, SEVERE COMBINED. Identifiers: MedGen C5676890, MONDO:0012163, OMIM 608971.

Allele frequency attached by ClinVar (database versions not stated): gnomAD exomes below 0.00001; ExAC 0.00001; gnomAD 0.00001; 1000 Genomes Project 30x 0.00016; 1000 Genomes Project 0.00020.
gnomAD v4.1: 6 of 1,612,738 alleles (0.00037%); highest among the groups gnomAD compares: Middle Eastern, 0.017%; no homozygotes.

Submissions (2):

Illumina Laboratory Services, Illumina
Classification: Uncertain significance for Immunodeficiency 104. Last evaluated: 2018-01-12. Review status: criteria provided, single submitter. Criteria: ICSL Variant Classification Criteria 13 December 2019. Collection method: clinical testing. Allele origin: germline.

ITMI
No classification provided. Condition: AllHighlyPenetrant. Last evaluated: 2013-09-19. Review status: no classification provided. Collection method: reference population. Allele origin: germline. Not counted in ClinVar's aggregate classification.
Comment: Please see associated publication for description of ethnicities

Literature cited by the submitters: PubMed 24728327 (cited by ITMI).

NM_002185.5(IL7R):c.149G>T (p.Gly50Val)

Gene: IL7R (interleukin 7 receptor; plus strand). Cytogenetic location: 5p13.2.
Variant type: single nucleotide variant.
Coding change: c.149G>T on transcript NM_002185.5 (MANE Select); coding-DNA position 149, G replaced by T.
Protein change: p.Gly50Val; replaces glycine 50 with valine.
Molecular consequence: missense variant. On other transcripts: non-coding transcript variant (1).
Genome position (GRCh38, 1-based): chr5:35,860,918, G>T. VCF-style: chr5-35860918-G-T. GRCh37 (hg19) VCF-style: chr5-35861020-G-T.
Other names: short protein forms G50V.
Identifiers: ClinVar variation 134524 (VCV000134524.5), dbSNP rs202083738, ClinGen allele CA160087.